The following is an entry in ClinVar:

ClinVar aggregate classification (germline): Likely benign (1 of 4 stars; one submission).

Submission:

CeGaT Center for Human Genetics Tuebingen
Classification: Likely benign. Last evaluated: 2023-08-01. Review status: criteria provided, single submitter. Criteria: CeGaT Center For Human Genetics Tuebingen Variant Classification Criteria Version 2. Collection method: clinical testing. Allele origin: germline. Affected: yes. Observed: 1 variant allele.
Comment: MAGEC1: BS2

NM_005462.5(MAGEC1):c.754_755insCCCCTGAGAGAACTCAGAGTACTTTTGAGGGTTTTCCCCAG (p.Phe252fs)

Gene: MAGEC1 (MAGE family member C1; plus strand). Cytogenetic location: Xq27.2.
Variant type: Insertion.
Coding change: c.754_755insCCCCTGAGAGAACTCAGAGTACTTTTGAGGGTTTTCCCCAG on transcript NM_005462.5 (MANE Select); coding-DNA positions 754 to 755, CCCCTGAGAGAACTCAGAGTACTTTTGAGGGTTTTCCCCAG inserted.
Protein change: p.Phe252fs; shifts the reading frame from phenylalanine 252.
Molecular consequence: frameshift variant.
Genome position: GRCh38: chrX:141,906,158-141,906,159. GRCh37 (hg19): chrX:140,993,944-140,993,945.
Other names: short protein forms F252fs.
Identifiers: ClinVar variation 2661559 (VCV002661559.24), dbSNP rs767887912, ClinGen allele CA10533322.